The following is an entry in ClinVar:

NM_000548.5(TSC2):c.1731C>T (p.Thr577=)

Gene: TSC2 (TSC complex subunit 2; plus strand). Cytogenetic location: 16p13.3.
Variant type: single nucleotide variant.
Coding change: c.1731C>T on transcript NM_000548.5 (MANE Select); coding-DNA position 1731, C replaced by T.
Protein change: p.Thr577=; no amino-acid change (threonine 577 retained).
Molecular consequence: synonymous variant.
Genome position (GRCh38, 1-based): chr16:2,070,470, C>T. VCF-style: chr16-2070470-C-T. GRCh37 (hg19) VCF-style: chr16-2120471-C-T.
Other names: c.1731C>T, p.Thr577= (NM_001077183.3, NM_001114382.3, NM_001363528.2 and 3 more transcripts); c.1620C>T, p.Thr540= (NM_001318827.2); c.1584C>T, p.Thr528= (NM_001318829.2); c.1131C>T, p.Thr377= (NM_001318831.2); c.1764C>T, p.Thr588= (NM_001318832.2); c.1731C>T (NM_000548.4).
Identifiers: ClinVar variation 413667 (VCV000413667.23), dbSNP rs144122318, ClinGen allele CA033181.
Genomic context (GRCh38, chr16:2,070,470, plus strand): 5'-CGTTTTCACCTCCTGCGCCGTGGTGAGCTGCGTCCTCTCTCTGCAGACCAAGCTGTACAC[C>T]CTGCCTGCAAGCCACGCCACGCGTGTGTATGAGATGCTGGTCAGCCACATTCAGCTCCAC-3'
Protein context (NP_000539.2, residues 567-587): LLVILQTKLY[Thr577=]LPASHATRVY

ClinVar aggregate classification (germline): Benign/Likely benign. Review status: criteria provided, multiple submitters, no conflicts (2 of 4 stars). 7 submissions from 7 submitters: Benign (4); Likely benign (2). 1 of the submissions does not count toward it. Last evaluated 2026-01-26.

Conditions:
TSC2-related disorder. Also called: TSC2-related condition; TSC2-Related Disorders.
Hereditary cancer-predisposing syndrome. Also called: Tumor predisposition; Neoplastic Syndromes, Hereditary; Hereditary Cancer Syndrome; Hereditary neoplastic syndrome. Identifiers: Orphanet 140162, MedGen C0027672, MeSH D009386, MONDO:0015356.
Lymphangiomyomatosis (LAM). Also called: Lymphangioleiomyomatosis; Lymphangioleiomyomatosis, somatic. Identifiers: Orphanet 538, MedGen C0751674, MONDO:0011705, OMIM 606690.
Isolated focal cortical dysplasia type II (FCORD2). Also called: Focal cortical dysplasia type II; CORTICAL DYSPLASIA OF TAYLOR. Identifiers: Orphanet 268994, MedGen C1846385, MONDO:0011818, OMIM 607341, HP:0032051.
Tuberous sclerosis 2 (TSC2). Identifiers: Orphanet 805, MedGen C1860707, MONDO:0013199, OMIM 613254.
Tuberous sclerosis syndrome (TSC). Also called: Tuberous Sclerosis Complex; Tuberous sclerosis. Identifiers: Orphanet 805, MedGen C0041341, MONDO:0001734.

Allele frequency attached by ClinVar (database versions not stated): ExAC 0.00003; gnomAD exomes 0.00004; gnomAD 0.00006; TOPMed 0.00006; 1000 Genomes Project 30x 0.00016; 1000 Genomes Project 0.00020.

Submissions (7):

Labcorp Genetics (formerly Invitae), Labcorp
Classification: Benign for Tuberous sclerosis 2. Last evaluated: 2026-01-26. Review status: criteria provided, single submitter. Criteria: Invitae Variant Classification Sherloc (09022015). Collection method: clinical testing. Allele origin: germline.

Myriad Genetics, Inc.
Classification: Benign for Tuberous sclerosis 2. Last evaluated: 2025-05-15. Review status: criteria provided, single submitter. Criteria: Myriad Autosomal Dominant, Autosomal Recessive and X-Linked Classification Criteria (2023). Collection method: clinical testing. Allele origin: unknown.
Comment: This variant is considered benign. This variant is a silent/synonymous amino acid change and it is not expected to impact splicing.

All of Us Research Program, National Institutes of Health
Classification: Benign for Tuberous sclerosis syndrome. Last evaluated: 2024-02-05. Review status: criteria provided, single submitter. Criteria: ACMG Guidelines, 2015. Collection method: clinical testing. Allele origin: germline. Inheritance: Autosomal dominant inheritance. Observed: 1 variant allele, 1 heterozygote.
Comment: This study involves interpretation of variants in research participants for the purpose of population health screening. Participant phenotype was not available at the time of variant classification. Additional details can be found in publication PMID: 35346344, PMCID: PMC8962531

Genome-Nilou Lab
Classification: Benign for Tuberous sclerosis 2. Last evaluated: 2021-11-07. Review status: criteria provided, single submitter. Criteria: ACMG Guidelines, 2015. Collection method: clinical testing. Allele origin: germline. Affected: no.

Fulgent Genetics
Classification: Likely benign for Lymphangiomyomatosis; Isolated focal cortical dysplasia type II; Tuberous sclerosis 2. Last evaluated: 2021-07-23. Review status: criteria provided, single submitter. Criteria: ACMG Guidelines, 2015. Collection method: clinical testing. Allele origin: unknown.

Ambry Genetics
Classification: Likely benign for Hereditary cancer-predisposing syndrome. Last evaluated: 2018-07-09. Review status: criteria provided, single submitter. Criteria: Ambry Variant Classification Scheme 2023. Collection method: clinical testing. Allele origin: germline.

PreventionGenetics, part of Exact Sciences
Classification: Likely benign for TSC2-related condition. Last evaluated: 2022-10-24. Review status: no assertion criteria provided. Collection method: clinical testing. Allele origin: germline. Not counted in ClinVar's aggregate classification.
Comment: This variant is classified as likely benign based on ACMG/AMP sequence variant interpretation guidelines (Richards et al. 2015 PMID: 25741868, with internal and published modifications).